The following is an entry in ClinVar:

ClinVar aggregate classification (germline): Uncertain significance (1 of 4 stars; one submission).

Allele frequency attached by ClinVar (database versions not stated): gnomAD 0.00001.

Submission:

Labcorp Genetics (formerly Invitae), Labcorp
Classification: Uncertain significance. Last evaluated: 2022-07-19. Review status: criteria provided, single submitter. Criteria: Invitae Variant Classification Sherloc (09022015). Collection method: clinical testing. Allele origin: germline.
Comment: In summary, the available evidence is currently insufficient to determine the role of this variant in disease. Therefore, it has been classified as a Variant of Uncertain Significance. Advanced modeling of protein sequence and biophysical properties (such as structural, functional, and spatial information, amino acid conservation, physicochemical variation, residue mobility, and thermodynamic stability) performed at Invitae indicates that this missense variant is not expected to disrupt CDK13 protein function. This variant has not been reported in the literature in individuals affected with CDK13-related conditions. This variant is not present in population databases (gnomAD no frequency). This sequence change replaces serine, which is neutral and polar, with threonine, which is neutral and polar, at codon 78 of the CDK13 protein (p.Ser78Thr).

NM_003718.5(CDK13):c.232T>A (p.Ser78Thr)

Genes: CDK13 (cyclin dependent kinase 13; plus strand), LOC129998292 (ATAC-STARR-seq lymphoblastoid silent region 18115; plus strand). Cytogenetic location: 7p14.1.
Variant type: single nucleotide variant.
Coding change: c.232T>A on transcript NM_003718.5 (MANE Select); coding-DNA position 232, T replaced by A.
Protein change: p.Ser78Thr; replaces serine 78 with threonine.
Molecular consequence: missense variant.
Genome position (GRCh38, 1-based): chr7:39,950,873, T>A. VCF-style: chr7-39950873-T-A. GRCh37 (hg19) VCF-style: chr7-39990472-T-A.
Other names: c.232T>A, p.Ser78Thr (NM_031267.4); short protein forms S78T.
Identifiers: ClinVar variation 2166446 (VCV002166446.4), dbSNP rs1787141502, ClinGen allele CA367309017.